The following is an entry in ClinVar:

NM_000256.3(MYBPC3):c.2148+5G>A

Gene: MYBPC3 (myosin binding protein C3; minus strand). Cytogenetic location: 11p11.2.
Variant type: single nucleotide variant.
Coding change: c.2148+5G>A on transcript NM_000256.3 (MANE Select); 5 bases into the intron after coding-DNA position 2148, G replaced by A.
Molecular consequence: intron variant.
Genome position (GRCh38, 1-based): chr11:47,339,319, C>T on the plus strand (G>A on the coding strand, the complement: MYBPC3 is on the minus strand). VCF-style: chr11-47339319-C-T. GRCh37 (hg19) VCF-style: chr11-47360870-C-T.
Identifiers: ClinVar variation 1712215 (VCV001712215.3), dbSNP rs1320509129, ClinGen allele CA599374370.

ClinVar aggregate classification (germline): Uncertain significance. Review status: criteria provided, multiple submitters, no conflicts (2 of 4 stars). 2 submissions from 2 submitters: Uncertain significance (2). Last evaluated 2024-01-11.

Conditions:
Hypertrophic cardiomyopathy. Also called: HYPERTROPHIC MYOCARDIOPATHY. Identifiers: Orphanet 217569, MedGen C0007194, MeSH D002312, MONDO:0005045, HP:0001639.

Allele frequency attached by ClinVar (database versions not stated): gnomAD exomes 0.00001.
gnomAD v4.1: 12 of 1,613,962 alleles (0.00074%); highest among the groups gnomAD compares: Non-Finnish European, 0.00085%; no homozygotes.

Submissions (2):

All of Us Research Program, National Institutes of Health
Classification: Uncertain significance for Hypertrophic cardiomyopathy. Last evaluated: 2024-01-11. Review status: criteria provided, single submitter. Criteria: ACMG Guidelines, 2015. Collection method: clinical testing. Allele origin: germline. Inheritance: Autosomal dominant inheritance. Observed: 1 variant allele, 1 heterozygote.
Comment: This study involves interpretation of variants in research participants for the purpose of population health screening. Participant phenotype was not available at the time of variant classification. Additional details can be found in publication PMID: 35346344, PMCID: PMC8962531

GeneDx
Classification: Uncertain significance. Last evaluated: 2022-04-22. Review status: criteria provided, single submitter. Criteria: GeneDx Variant Classification Process June 2021. Collection method: clinical testing. Allele origin: germline. Affected: yes.
Comment: Has not been previously published as pathogenic or benign to our knowledge; Not observed at significant frequency in large population cohorts (gnomAD); Intronic +5 splice site variant in a gene for which loss of function is a known mechanism of disease, and both splice predictors and evolutionary conservation support a deleterious effect; although, in the absence of functional evidence, the actual effect of this sequence change is unknown